The following is an entry in ClinVar:

NM_015884.4(MBTPS2):c.197G>C (p.Arg66Pro)

Gene: MBTPS2 (membrane bound transcription factor peptidase, site 2; plus strand). Cytogenetic location: Xp22.12.
Variant type: single nucleotide variant.
Coding change: c.197G>C on transcript NM_015884.4 (MANE Select); coding-DNA position 197, G replaced by C.
Protein change: p.Arg66Pro; replaces arginine 66 with proline.
Molecular consequence: missense variant.
Genome position (GRCh38, 1-based): chrX:21,843,291, G>C. VCF-style: chrX-21843291-G-C. GRCh37 (hg19) VCF-style: chrX-21861409-G-C.
Other names: short protein forms R66P.
Identifiers: ClinVar variation 4747553 (VCV004747553.1).

ClinVar aggregate classification (germline): Uncertain significance (1 of 4 stars; one submission).

Submission:

Labcorp Genetics (formerly Invitae), Labcorp
Classification: Uncertain significance. Last evaluated: 2025-05-21. Review status: criteria provided, single submitter. Criteria: Invitae Variant Classification Sherloc (09022015). Collection method: clinical testing. Allele origin: germline.
Comment: This sequence change replaces arginine, which is basic and polar, with proline, which is neutral and non-polar, at codon 66 of the MBTPS2 protein (p.Arg66Pro). This variant is not present in population databases (gnomAD no frequency). This variant has not been reported in the literature in individuals affected with MBTPS2-related conditions. Invitae Evidence Modeling of protein sequence and biophysical properties (such as structural, functional, and spatial information, amino acid conservation, physicochemical variation, residue mobility, and thermodynamic stability) has been performed for this missense variant. However, the output from this modeling did not meet the statistical confidence thresholds required to predict the impact of this variant on MBTPS2 protein function. In summary, the available evidence is currently insufficient to determine the role of this variant in disease. Therefore, it has been classified as a Variant of Uncertain Significance.